The following is an entry in ClinVar:

ClinVar aggregate classification (germline): Uncertain significance. Review status: criteria provided, multiple submitters, no conflicts (2 of 4 stars). 3 submissions from 3 submitters: Uncertain significance (3). Last evaluated 2025-11-05.

Conditions:
Inborn genetic diseases. Identifiers: MedGen C0950123, MeSH D030342.
Neuronopathy, distal hereditary motor, type 7A. Also called: Neuronopathy, distal hereditary motor, type viia; HARPER-YOUNG MYOPATHY; HMN VIIA; SPINAL MUSCULAR ATROPHY, DISTAL, WITH VOCAL CORD PARALYSIS; NEURONOPATHY, DISTAL HEREDITARY MOTOR, HARDING TYPE VIIA; NEUROPATHY, DISTAL HEREDITARY MOTOR, HARDING TYPE VIIA. Identifiers: Orphanet 139589, MedGen C1834703, MONDO:0008024, OMIM 158580.
Congenital myasthenic syndrome 20. Also called: Myasthenic syndrome, congenital, 20, presynaptic. Identifiers: MedGen C4310694, MONDO:0014939, OMIM 617143.

Allele frequency attached by ClinVar (database versions not stated): gnomAD 0.00001; TOPMed 0.00001; ExAC 0.00002.
gnomAD v4.1: 16 of 1,613,038 alleles (0.00099%); highest among the groups gnomAD compares: East Asian, 0.0022%; no homozygotes.

Submissions (3):

Labcorp Genetics (formerly Invitae), Labcorp
Classification: Uncertain significance for Neuronopathy, distal hereditary motor, type 7A; Congenital myasthenic syndrome 20. Last evaluated: 2025-11-05. Review status: criteria provided, single submitter. Criteria: Invitae Variant Classification Sherloc (09022015). Collection method: clinical testing. Allele origin: germline.
Comment: This sequence change replaces isoleucine, which is neutral and non-polar, with threonine, which is neutral and polar, at codon 89 of the SLC5A7 protein (p.Ile89Thr). This variant is present in population databases (rs754914654, gnomAD 0.008%). This variant has not been reported in the literature in individuals affected with SLC5A7-related conditions. ClinVar contains an entry for this variant (Variation ID: 2048423). Invitae Evidence Modeling of protein sequence and biophysical properties (such as structural, functional, and spatial information, amino acid conservation, physicochemical variation, residue mobility, and thermodynamic stability) indicates that this missense variant is not expected to disrupt SLC5A7 protein function with a negative predictive value of 80%. In summary, the available evidence is currently insufficient to determine the role of this variant in disease. Therefore, it has been classified as a Variant of Uncertain Significance.

Ambry Genetics
Classification: Uncertain significance for Inborn genetic diseases. Last evaluated: 2025-01-16. Review status: criteria provided, single submitter. Criteria: Ambry Variant Classification Scheme 2023. Collection method: clinical testing. Allele origin: germline.

Revvity Omics, Revvity
Classification: Uncertain significance. Last evaluated: 2024-08-14. Review status: criteria provided, single submitter. Criteria: ACMG Guidelines, 2015. Collection method: clinical testing. Allele origin: germline.

NM_021815.5(SLC5A7):c.266T>C (p.Ile89Thr)

Gene: SLC5A7 (solute carrier family 5 member 7; plus strand). Cytogenetic location: 2q12.3.
Variant type: single nucleotide variant.
Coding change: c.266T>C on transcript NM_021815.5 (MANE Select); coding-DNA position 266, T replaced by C.
Protein change: p.Ile89Thr; replaces isoleucine 89 with threonine.
Molecular consequence: missense variant. On other transcripts: 5 prime UTR variant (2).
Genome position (GRCh38, 1-based): chr2:107,992,193, T>C. VCF-style: chr2-107992193-T-C. GRCh37 (hg19) VCF-style: chr2-108608649-T-C.
Other names: c.266T>C (NM_021815.2); c.266T>C, p.Ile89Thr (NM_001305005.3); c.-50T>C (NM_001305006.3); c.-439T>C (NM_001305007.3); short protein forms I89T.
Identifiers: ClinVar variation 2048423 (VCV002048423.6), dbSNP rs754914654, ClinGen allele CA1818915.